The following is an entry in ClinVar:

ClinVar aggregate classification (germline): Benign/Likely benign. Review status: criteria provided, multiple submitters, no conflicts (2 of 4 stars). 3 submissions from 3 submitters: Benign (1); Likely benign (2). Last evaluated 2019-12-07.

Conditions:
White sponge nevus 1. Also called: LEUKOKERATOSIS, HEREDITARY MUCOSAL. Identifiers: MedGen C4011926, MONDO:0008676, OMIM 193900.

Allele frequency attached by ClinVar (database versions not stated): 1000 Genomes Project 30x 0.00031; ExAC 0.00031; gnomAD exomes 0.00036 and 0.00070; gnomAD 0.00038 and 0.00039; 1000 Genomes Project 0.00040; TOPMed 0.00048; ESP Exome Variant Server 0.00064.
gnomAD v4.1: 1,076 of 1,613,928 alleles (0.067%); highest among the groups gnomAD compares: Non-Finnish European, 0.085%; 1 homozygote.

Submissions (3):

Labcorp Genetics (formerly Invitae), Labcorp
Classification: Likely benign. Last evaluated: 2019-12-07. Review status: criteria provided, single submitter. Criteria: Invitae Variant Classification Sherloc (09022015). Collection method: clinical testing. Allele origin: germline.

Illumina Laboratory Services, Illumina
Classification: Benign for White sponge nevus 1. Last evaluated: 2018-01-13. Review status: criteria provided, single submitter. Criteria: ICSL Variant Classification Criteria 13 December 2019. Collection method: clinical testing. Allele origin: germline.
Comment: This variant was observed in the ICSL laboratory as part of a predisposition screen in an ostensibly healthy population. It had not been previously curated by ICSL or reported in the Human Gene Mutation Database (HGMD: prior to June 1st, 2018), and was therefore a candidate for classification through an automated scoring system. Utilizing variant allele frequency, disease prevalence and penetrance estimates, and inheritance mode, an automated score was calculated to assess if this variant is too frequent to cause the disease. Based on the score and internal cut-off values, a variant classified as benign is not then subjected to further curation. The score for this variant resulted in a classification of benign for this disease.

Breakthrough Genomics
Classification: Likely benign. Review status: criteria provided, single submitter. Criteria: ACMG Guidelines, 2015. Collection method: not provided. Allele origin: germline. Inheritance: Autosomal dominant inheritance. Affected: yes.

NM_002272.4(KRT4):c.548A>G (p.Asn183Ser)

Gene: KRT4 (keratin 4; minus strand). Cytogenetic location: 12q13.13.
Variant type: single nucleotide variant.
Coding change: c.548A>G on transcript NM_002272.4 (MANE Select); coding-DNA position 548, A replaced by G.
Protein change: p.Asn183Ser; replaces asparagine 183 with serine.
Molecular consequence: missense variant.
Genome position (GRCh38, 1-based): chr12:52,811,892, T>C on the plus strand (A>G on the coding strand, the complement: KRT4 is on the minus strand). VCF-style: chr12-52811892-T-C. GRCh37 (hg19) VCF-style: chr12-53205676-T-C.
Other names: short protein forms N183S.
Identifiers: ClinVar variation 309691 (VCV000309691.11), dbSNP rs199768158, ClinGen allele CA6588693.